The following is an entry in ClinVar:

ClinVar aggregate classification (germline): Uncertain significance (1 of 4 stars; one submission).

gnomAD v4.1: 1 of 1,614,042 alleles (0.000062%); highest among the groups gnomAD compares: Admixed American, 0.0017%; no homozygotes.

Submission:

Labcorp Genetics (formerly Invitae), Labcorp
Classification: Uncertain significance. Last evaluated: 2022-02-03. Review status: criteria provided, single submitter. Criteria: Invitae Variant Classification Sherloc (09022015). Collection method: clinical testing. Allele origin: germline.
Comment: This variant has not been reported in the literature in individuals affected with ORC1-related conditions. Algorithms developed to predict the effect of missense changes on protein structure and function are either unavailable or do not agree on the potential impact of this missense change (SIFT: "Tolerated"; PolyPhen-2: "Possibly Damaging"; Align-GVGD: "Class C0"). This variant is not present in population databases (gnomAD no frequency). This sequence change replaces serine, which is neutral and polar, with tyrosine, which is neutral and polar, at codon 201 of the ORC1 protein (p.Ser201Tyr). In summary, the available evidence is currently insufficient to determine the role of this variant in disease. Therefore, it has been classified as a Variant of Uncertain Significance.

NM_004153.4(ORC1):c.602C>A (p.Ser201Tyr)

Gene: ORC1 (origin recognition complex subunit 1; minus strand). Cytogenetic location: 1p32.3.
Variant type: single nucleotide variant.
Coding change: c.602C>A on transcript NM_004153.4 (MANE Select); coding-DNA position 602, C replaced by A.
Protein change: p.Ser201Tyr; replaces serine 201 with tyrosine.
Molecular consequence: missense variant.
Genome position (GRCh38, 1-based): chr1:52,396,165, G>T on the plus strand (C>A on the coding strand, the complement: ORC1 is on the minus strand). VCF-style: chr1-52396165-G-T. GRCh37 (hg19) VCF-style: chr1-52861837-G-T.
Other names: c.602C>A, p.Ser201Tyr (NM_001190818.2, NM_001190819.2); short protein forms S201Y.
Identifiers: ClinVar variation 1953817 (VCV001953817.5), dbSNP rs1647385330, ClinGen allele CA340362940.